The following is an entry in ClinVar:

NM_001655.5(ARCN1):c.274G>A (p.Glu92Lys)

Gene: ARCN1 (archain 1 coat protein complex I subunit delta; plus strand). Cytogenetic location: 11q23.3.
Variant type: single nucleotide variant.
Coding change: c.274G>A on transcript NM_001655.5 (MANE Select); coding-DNA position 274, G replaced by A.
Protein change: p.Glu92Lys; replaces glutamic acid 92 with lysine.
Molecular consequence: missense variant. On other transcripts: non-coding transcript variant (2), intron variant (1).
Genome position (GRCh38, 1-based): chr11:118,583,185, G>A. VCF-style: chr11-118583185-G-A. GRCh37 (hg19) VCF-style: chr11-118453900-G-A.
Other names: c.10G>A, p.Glu4Lys (NM_001142281.2, NM_001425081.1); c.274G>A, p.Glu92Lys (NM_001425073.1, NM_001425077.1, NM_001425078.1); c.271G>A, p.Glu91Lys (NM_001425074.1, NM_001425079.1); c.217G>A, p.Glu73Lys (NM_001425075.1); c.205G>A, p.Glu69Lys (NM_001425076.1); c.4-624G>A (NM_001425080.1); short protein forms E4K, E69K, E73K, E91K, E92K.
Identifiers: ClinVar variation 4076912 (VCV004076912.1).

ClinVar aggregate classification (germline): Uncertain significance (1 of 4 stars; one submission).

Submission:

GeneDx
Classification: Uncertain significance. Last evaluated: 2025-02-21. Review status: criteria provided, single submitter. Criteria: GeneDx Variant Classification Process June 2021. Collection method: clinical testing. Allele origin: germline. Affected: yes.
Comment: Not observed at significant frequency in large population cohorts (gnomAD); In silico analysis supports that this missense variant has a deleterious effect on protein structure/function; Has not been previously published as pathogenic or benign to our knowledge